The following is an entry in ClinVar:

NM_024596.5(MCPH1):c.1615GAT[2] (p.Asp541del)

Gene: MCPH1 (microcephalin 1; plus strand). Cytogenetic location: 8p23.1.
Variant type: Microsatellite.
Coding change: c.1615GAT[2] on transcript NM_024596.5 (MANE Select); two copies in a row of the 3-base unit GAT starting at c.1615; the reference has three copies in a row; one copy, 3 bases deleted.
Protein change: p.Asp541del; deletes aspartic acid 541.
Molecular consequence: inframe deletion. On other transcripts: non-coding transcript variant (1).
Genome position (GRCh38, 1-based): chr8:6,445,343-6,445,345, GAT deleted; deleting any 3 consecutive bases within chr8:6,445,335-6,445,345 gives the same sequence; the position shown is the placement nearest the transcript's 3' end. VCF-style (leftmost placement, unchanged base first): chr8-6445334-CATG-C. GRCh37 (hg19) VCF-style: chr8-6302855-CATG-C.
Other names: c.1615GAT[2], p.Asp541del (NM_001172574.2, NM_001322042.2, NM_001363979.1 and 1 more transcripts); c.1471GAT[2], p.Asp493del (NM_001172575.2); c.1609GAT[2], p.Asp539del (NM_001322043.2); c.1513GAT[2], p.Asp507del (NM_001322045.2); short protein forms D493del, D539del, D541del, D507del.
Identifiers: ClinVar variation 1507986 (VCV001507986.3), dbSNP rs1275821995, ClinGen allele CA580027964.

ClinVar aggregate classification (germline): Uncertain significance (1 of 4 stars; one submission).

Submission:

Labcorp Genetics (formerly Invitae), Labcorp
Classification: Uncertain significance. Last evaluated: 2022-06-05. Review status: criteria provided, single submitter. Criteria: Invitae Variant Classification Sherloc (09022015). Collection method: clinical testing. Allele origin: germline.
Comment: This variant, c.1621_1623del, results in the deletion of 1 amino acid(s) of the MCPH1 protein (p.Asp541del), but otherwise preserves the integrity of the reading frame. This variant is present in population databases (no rsID available, gnomAD 0.0009%). This variant has not been reported in the literature in individuals affected with MCPH1-related conditions. Experimental studies and prediction algorithms are not available or were not evaluated, and the functional significance of this variant is currently unknown. In summary, the available evidence is currently insufficient to determine the role of this variant in disease. Therefore, it has been classified as a Variant of Uncertain Significance.